The following is an entry in ClinVar:

NM_001012339.3(DNAJC21):c.43A>C (p.Ser15Arg)

Genes: DNAJC21 (DnaJ heat shock protein family (Hsp40) member C21; plus strand), LOC129993792 (ATAC-STARR-seq lymphoblastoid silent region 15969; plus strand). Cytogenetic location: 5p13.2.
Variant type: single nucleotide variant.
Coding change: c.43A>C on transcript NM_001012339.3 (MANE Select); coding-DNA position 43, A replaced by C.
Protein change: p.Ser15Arg; replaces serine 15 with arginine.
Molecular consequence: missense variant.
Genome position (GRCh38, 1-based): chr5:34,929,862, A>C. VCF-style: chr5-34929862-A-C. GRCh37 (hg19) VCF-style: chr5-34929967-A-C.
Other names: c.43A>C, p.Ser15Arg (NM_001348420.2, NM_194283.4); short protein forms S15R.
Identifiers: ClinVar variation 1475927 (VCV001475927.8), dbSNP rs1441391830, ClinGen allele CA359409949.

ClinVar aggregate classification (germline): Uncertain significance (1 of 4 stars; one submission).

gnomAD v4.1: 5 of 1,549,690 alleles (0.00032%); highest among the groups gnomAD compares: Non-Finnish European, 0.00044%; no homozygotes.

Submission:

Labcorp Genetics (formerly Invitae), Labcorp
Classification: Uncertain significance. Last evaluated: 2020-10-19. Review status: criteria provided, single submitter. Criteria: Invitae Variant Classification Sherloc (09022015). Collection method: clinical testing. Allele origin: germline.
Comment: This sequence change replaces serine with arginine at codon 15 of the DNAJC21 protein (p.Ser15Arg). The serine residue is moderately conserved and there is a moderate physicochemical difference between serine and arginine. This variant is not present in population databases (ExAC no frequency). This variant has not been reported in the literature in individuals with DNAJC21-related conditions. Algorithms developed to predict the effect of missense changes on protein structure and function are either unavailable or do not agree on the potential impact of this missense change (SIFT: "Tolerated"; PolyPhen-2: "Probably Damaging"; Align-GVGD: "Class C0"). In summary, the available evidence is currently insufficient to determine the role of this variant in disease. Therefore, it has been classified as a Variant of Uncertain Significance.